The following is an entry in ClinVar:

ClinVar aggregate classification (germline): Pathogenic (1 of 4 stars; one submission).

Conditions:
Fanconi anemia complementation group E (FANCE). Also called: FANCE-Related Fanconi Anemia. Identifiers: Orphanet 84, MedGen C3160739, MONDO:0010953, OMIM 600901.

Submission:

Labcorp Genetics (formerly Invitae), Labcorp
Classification: Pathogenic for Fanconi anemia complementation group E. Last evaluated: 2026-01-13. Review status: criteria provided, single submitter. Criteria: Invitae Variant Classification Sherloc (09022015). Collection method: clinical testing. Allele origin: germline.
Comment: This sequence change creates a premature translational stop signal (p.Arg69Glyfs*15) in the FANCE gene. It is expected to result in an absent or disrupted protein product. Loss-of-function variants in FANCE are known to be pathogenic (PMID: 11001585, 17924555). This variant is not present in population databases (gnomAD no frequency). This variant has not been reported in the literature in individuals affected with FANCE-related conditions. For these reasons, this variant has been classified as Pathogenic.

Literature cited by the submitters: PubMed 11001585; PubMed 17924555.

NM_021922.3(FANCE):c.205del (p.Arg69fs)

Genes: FANCE (FA complementation group E; plus strand), LOC129996245 (ATAC-STARR-seq lymphoblastoid silent region 17092; plus strand). Cytogenetic location: 6p21.31.
Variant type: Deletion.
Coding change: c.205del on transcript NM_021922.3 (MANE Select); coding-DNA position 205, one base deleted (C; older notation c.205delC).
Protein change: p.Arg69fs; shifts the reading frame from arginine 69.
Molecular consequence: frameshift variant.
Genome position (GRCh38, 1-based): chr6:35,452,750, C deleted; the last of 2 consecutive C bases (chr6:35,452,749-35,452,750); deleting either gives the same sequence. VCF-style (leftmost placement, unchanged base first): chr6-35452748-GC-G. GRCh37 (hg19) VCF-style: chr6-35420525-GC-G.
Other names: c.205del, p.Arg69fs (NM_001410876.1); short protein forms R69fs.
Identifiers: ClinVar variation 4735328 (VCV004735328.1).